The following is an entry in ClinVar:

ClinVar aggregate classification (germline): Uncertain significance. Review status: criteria provided, multiple submitters, no conflicts (2 of 4 stars). 2 submissions from 2 submitters: Uncertain significance (2). Last evaluated 2025-10-27.

Conditions:
Marfan syndrome (MFS). Also called: Marfan syndrome type 1; Marfan's syndrome; FBN1-Related Marfan Syndrome; MARFAN SYNDROME, TYPE I; Marfan syndrome, classic. Identifiers: Orphanet 284963, Orphanet 558, MedGen C0024796, MONDO:0007947, OMIM 154700.
Familial thoracic aortic aneurysm and aortic dissection (TAAD). Also called: Thoracic aortic aneurysms and dissections. Identifiers: Orphanet 91387, MedGen C4707243, MONDO:0019625.

Allele frequency attached by ClinVar (database versions not stated): gnomAD exomes 0.00001 and below 0.00001; TOPMed below 0.00001; ExAC 0.00001.
gnomAD v4.1: 2 of 1,613,602 alleles (0.00012%); highest among the groups gnomAD compares: Admixed American, 0.0033%; no homozygotes.

Submissions (2):

Labcorp Genetics (formerly Invitae), Labcorp
Classification: Uncertain significance for Marfan syndrome; Familial thoracic aortic aneurysm and aortic dissection. Last evaluated: 2025-10-27. Review status: criteria provided, single submitter. Criteria: Invitae Variant Classification Sherloc (09022015). Collection method: clinical testing. Allele origin: germline.
Comment: This sequence change replaces aspartic acid, which is acidic and polar, with asparagine, which is neutral and polar, at codon 2249 of the FBN1 protein (p.Asp2249Asn). This variant is present in population databases (rs746666535, gnomAD 0.006%). This variant has not been reported in the literature in individuals affected with FBN1-related conditions. ClinVar contains an entry for this variant (Variation ID: 1406445). An algorithm developed to predict the effect of missense changes on protein structure and function outputs the following: PolyPhen-2: "Benign". The asparagine amino acid residue is found in multiple mammalian species, which suggests that this missense change does not adversely affect protein function. In summary, the available evidence is currently insufficient to determine the role of this variant in disease. Therefore, it has been classified as a Variant of Uncertain Significance.

Color Diagnostics, LLC DBA Color Health
Classification: Uncertain significance for Familial thoracic aortic aneurysm and aortic dissection. Last evaluated: 2025-07-28. Review status: criteria provided, single submitter. Criteria: ACMG Guidelines, 2015. Collection method: clinical testing. Allele origin: germline.
Comment: This missense variant replaces aspartic acid with asparagine at codon 2249 of the FBN1 protein. Computational prediction suggests that this variant may not impact protein structure and function. To our knowledge, functional studies have not been reported for this variant. This variant has not been reported in individuals affected with FBN1-related disorders in the literature. This variant has been identified in 2/250764 chromosomes in the general population by the Genome Aggregation Database (gnomAD). The available evidence is insufficient to determine the role of this variant in disease conclusively. Therefore, this variant is classified as a Variant of Uncertain Significance.

NM_000138.5(FBN1):c.6745G>A (p.Asp2249Asn)

Gene: FBN1 (fibrillin 1; minus strand). Cytogenetic location: 15q21.1.
Variant type: single nucleotide variant.
Coding change: c.6745G>A on transcript NM_000138.5 (MANE Select); coding-DNA position 6745, G replaced by A.
Protein change: p.Asp2249Asn; replaces aspartic acid 2249 with asparagine.
Molecular consequence: missense variant.
Genome position (GRCh38, 1-based): chr15:48,430,797, C>T on the plus strand (G>A on the coding strand, the complement: FBN1 is on the minus strand). VCF-style: chr15-48430797-C-T. GRCh37 (hg19) VCF-style: chr15-48722994-C-T.
Other names: short protein forms D2249N.
Identifiers: ClinVar variation 1406445 (VCV001406445.7), dbSNP rs746666535, ClinGen allele CA057392.